The following is an entry in ClinVar:

ClinVar aggregate classification (germline): Likely pathogenic (1 of 4 stars; one submission).

Conditions:
Ehlers-Danlos syndrome, type 4 (EDSVASC). Also called: Ehlers-Danlos syndrome vascular type; Ehlers Danlos syndrome, ecchymotic type; Ehlers Danlos syndrome, arterial type; Ehlers Danlos syndrome, Sack-Barabas type; Ehlers-Danlos Syndrome Type IV. Identifiers: Orphanet 286, MedGen C0268338, MONDO:0017314, OMIM 130050.

Submission:

Labcorp Genetics (formerly Invitae), Labcorp
Classification: Likely pathogenic for Ehlers-Danlos syndrome, type 4. Last evaluated: 2025-10-06. Review status: criteria provided, single submitter. Criteria: Invitae Variant Classification Sherloc (09022015). Collection method: clinical testing. Allele origin: germline.
Comment: This sequence change replaces glycine, which is neutral and non-polar, with glutamic acid, which is acidic and polar, at codon 312 of the COL3A1 protein (p.Gly312Glu). This variant is not present in population databases (gnomAD no frequency). This variant has not been reported in the literature in individuals affected with COL3A1-related conditions. Invitae Evidence Modeling of protein sequence and biophysical properties (such as structural, functional, and spatial information, amino acid conservation, physicochemical variation, residue mobility, and thermodynamic stability) indicates that this missense variant is expected to disrupt COL3A1 protein function with a positive predictive value of 95%. This variant disrupts the triple helix domain of COL3A1. Glycine residues within the Gly-Xaa-Yaa repeats of the triple helix domain are required for the structure and stability of fibrillar collagens (PMID: 7695699, 8218237, 19344236). In COL3A1, variants that affect these glycine residues are significantly enriched in individuals with disease (PMID: 24922459, 25758994) compared to the general population (ExAC). In summary, the currently available evidence indicates that the variant is pathogenic, but additional data are needed to prove that conclusively. Therefore, this variant has been classified as Likely Pathogenic.

Literature cited by the submitters: PubMed 7695699; PubMed 8218237; PubMed 19344236; PubMed 24922459; PubMed 25758994.

NM_000090.4(COL3A1):c.935G>A (p.Gly312Glu)

Gene: COL3A1 (collagen type III alpha 1 chain; plus strand). Cytogenetic location: 2q32.2.
Variant type: single nucleotide variant.
Coding change: c.935G>A on transcript NM_000090.4 (MANE Select); coding-DNA position 935, G replaced by A.
Protein change: p.Gly312Glu; replaces glycine 312 with glutamic acid.
Molecular consequence: missense variant.
Genome position (GRCh38, 1-based): chr2:188,991,706, G>A. VCF-style: chr2-188991706-G-A. GRCh37 (hg19) VCF-style: chr2-189856432-G-A.
Other names: short protein forms G312E.
Identifiers: ClinVar variation 4800317 (VCV004800317.1).
Genomic context (GRCh38, chr2:188,991,706, plus strand): 5'-CATATTTCAATTTTACTCTGTAGGGTCCAAGAGGGGCTCCTGGTGAGCGAGGACGGCCAG[G>A]ACTTCCTGGGGCTGCAGTGAGTATAGCTGCTAACATCACACAATTACAACCCAAAGTGAC-3'
Protein context (NP_000081.2, residues 302-322): RGAPGERGRP[Gly312Glu]LPGAAGARGN